The following is an entry in ClinVar:

ClinVar aggregate classification (germline): Uncertain significance (1 of 4 stars; one submission).

gnomAD v4.1: 1 of 1,614,060 alleles (0.000062%); highest among the groups gnomAD compares: Non-Finnish European, 0.000085%; no homozygotes.

Submission:

Women's Health and Genetics/Laboratory Corporation of America, LabCorp
Classification: Uncertain significance. Last evaluated: 2025-02-03. Review status: criteria provided, single submitter. Criteria: LabCorp Variant Classification Summary - May 2015. Collection method: clinical testing. Allele origin: germline.
Comment: Variant summary: CELF2 c.521C>T (p.Pro174Leu) results in a non-conservative amino acid change in the encoded protein sequence. Four of five in-silico tools predict a damaging effect of the variant on protein function. The variant was absent in 249568 control chromosomes. The available data on variant occurrences in the general population are insufficient to allow any conclusion about variant significance. To our knowledge, no occurrence of c.521C>T in individuals affected with Developmental And Epileptic Encephalopathy 97 and no experimental evidence demonstrating its impact on protein function have been reported. No submitters have cited clinical-significance assessments for this variant to ClinVar. Based on the evidence outlined above, the variant was classified as uncertain significance.

NM_001326342.2(CELF2):c.521C>T (p.Pro174Leu)

Gene: CELF2 (CUGBP Elav-like family member 2; plus strand). Cytogenetic location: 10p14.
Variant type: single nucleotide variant.
Coding change: c.521C>T on transcript NM_001326342.2 (MANE Select); coding-DNA position 521, C replaced by T.
Protein change: p.Pro174Leu; replaces proline 174 with leucine.
Molecular consequence: missense variant. On other transcripts: 5 prime UTR variant (2).
Genome position (GRCh38, 1-based): chr10:11,257,855, C>T. VCF-style: chr10-11257855-C-T. GRCh37 (hg19) VCF-style: chr10-11299818-C-T.
Other names: c.428C>T, p.Pro143Leu (NM_001025076.2, NM_001083591.1, NM_001326317.2 and 15 more transcripts); c.500C>T, p.Pro167Leu (NM_001025077.3, NM_001326331.2, NM_001326332.2 and 4 more transcripts); c.593C>T, p.Pro198Leu (NM_001326325.2); c.536C>T, p.Pro179Leu (NM_001326326.2, NM_001326327.2); c.-105C>T (NM_001326333.2, NM_001326346.2); c.167C>T, p.Pro56Leu (NM_001326338.2, NM_001326339.2); c.521C>T, p.Pro174Leu (NM_001326340.2, NM_001326341.2, NM_001326343.2 and 4 more transcripts); c.452C>T, p.Pro151Leu (NM_001326347.1); short protein forms P143L, P151L, P167L, P174L, P179L, P198L, P56L.
Identifiers: ClinVar variation 3768817 (VCV003768817.1).